The following is an entry in ClinVar:

NM_004360.5(CDH1):c.1711+1G>T

Gene: CDH1 (cadherin 1; plus strand). Cytogenetic location: 16q22.1.
Variant type: single nucleotide variant.
Coding change: c.1711+1G>T on transcript NM_004360.5 (MANE Select); the canonical splice donor site of the intron after coding-DNA position 1711, G replaced by T.
Molecular consequence: splice donor variant. On other transcripts: intron variant (1).
Genome position (GRCh38, 1-based): chr16:68,819,426, G>T. VCF-style: chr16-68819426-G-T. GRCh37 (hg19) VCF-style: chr16-68853329-G-T.
Other names: c.-254-2575G>T (NM_001317186.2); c.1528+1G>T (NM_001317184.2); c.163+1G>T (NM_001317185.2).
Identifiers: ClinVar variation 2583547 (VCV002583547.2), dbSNP rs886041161, ClinGen allele CA396465474.

ClinVar aggregate classification (germline): Likely pathogenic (1 of 4 stars; one submission).

Conditions:
Hereditary diffuse gastric adenocarcinoma (HDGC). Also called: DIFFUSE GASTRIC AND LOBULAR BREAST CANCER SYNDROME. Identifiers: Orphanet 26106, MedGen C1708349, MONDO:0007648, OMIM 137215.

Allele frequency attached by ClinVar (database versions not stated): gnomAD exomes below 0.00001.
gnomAD v4.1: 1 of 1,613,230 alleles (0.000062%); highest among the groups gnomAD compares: Non-Finnish European, 0.000085%; no homozygotes.

Submission:

Myriad Genetics, Inc.
Classification: Likely pathogenic for Hereditary diffuse gastric adenocarcinoma. Last evaluated: 2023-06-14. Review status: criteria provided, single submitter. Criteria: Myriad Autosomal Dominant, Autosomal Recessive and X-Linked Classification Criteria (2023). Collection method: clinical testing. Allele origin: unknown.
Comment: This variant is considered likely pathogenic. This variant occurs within a consensus splice junction and is predicted to result in abnormal mRNA splicing of either an out-of-frame exon or an in-frame exon necessary for protein stability and/or normal function.